The following is an entry in ClinVar:

NM_002350.4(LYN):c.1121T>A (p.Leu374Gln)

Gene: LYN (LYN proto-oncogene, Src family tyrosine kinase; plus strand). Cytogenetic location: 8q12.1.
Variant type: single nucleotide variant.
Coding change: c.1121T>A on transcript NM_002350.4 (MANE Select); coding-DNA position 1121, T replaced by A.
Protein change: p.Leu374Gln; replaces leucine 374 with glutamine.
Molecular consequence: missense variant.
Genome position (GRCh38, 1-based): chr8:55,998,416, T>A. VCF-style: chr8-55998416-T-A. GRCh37 (hg19) VCF-style: chr8-56910975-T-A.
Other names: c.1058T>A, p.Leu353Gln (NM_001111097.3); short protein forms L353Q, L374Q.
Identifiers: ClinVar variation 3643967 (VCV003643967.2).

ClinVar aggregate classification (germline): Uncertain significance (1 of 4 stars; one submission).

Submission:

Labcorp Genetics (formerly Invitae), Labcorp
Classification: Uncertain significance. Last evaluated: 2024-03-01. Review status: criteria provided, single submitter. Criteria: Invitae Variant Classification Sherloc (09022015). Collection method: clinical testing. Allele origin: germline.
Comment: This sequence change replaces leucine, which is neutral and non-polar, with glutamine, which is neutral and polar, at codon 374 of the LYN protein (p.Leu374Gln). This variant is not present in population databases (gnomAD no frequency). This variant has not been reported in the literature in individuals affected with LYN-related conditions. An algorithm developed to predict the effect of missense changes on protein structure and function (PolyPhen-2) suggests that this variant is likely to be disruptive. In summary, the available evidence is currently insufficient to determine the role of this variant in disease. Therefore, it has been classified as a Variant of Uncertain Significance.